The following is an entry in ClinVar:

ClinVar aggregate classification (germline): Uncertain significance. Review status: criteria provided, multiple submitters, no conflicts (2 of 4 stars). 2 submissions from 2 submitters: Uncertain significance (2). Last evaluated 2026-07-30.

Conditions:
Hereditary cancer-predisposing syndrome. Also called: Tumor predisposition; Hereditary Cancer Syndrome; Hereditary neoplastic syndrome; Neoplastic Syndromes, Hereditary. Identifiers: Orphanet 140162, MedGen C0027672, MeSH D009386, MONDO:0015356.
EGFR-related lung cancer (EGFR). Identifiers: MedGen CN130014.

Allele frequency attached by ClinVar (database versions not stated): gnomAD exomes below 0.00001; TOPMed below 0.00001.
gnomAD v4.1: 2 of 1,614,086 alleles (0.00012%); highest among the groups gnomAD compares: South Asian, 0.0011%; no homozygotes.

Submissions (2):

Ambry Genetics
Classification: Uncertain significance for Hereditary cancer-predisposing syndrome. Last evaluated: 2026-07-30. Review status: criteria provided, single submitter. Criteria: Ambry Variant Classification Scheme 2023. Collection method: clinical testing. Allele origin: germline.
Comment: The p.G863D variant (also known as c.2588G>A), located in coding exon 21 of the EGFR gene, results from a G to A substitution at nucleotide position 2588. The glycine at codon 863 is replaced by aspartic acid, an amino acid with similar properties. This amino acid position is not well conserved in available vertebrate species. In addition, the in silico prediction for this alteration is inconclusive. Based on the available evidence, the clinical significance of this variant remains unclear.

Labcorp Genetics (formerly Invitae), Labcorp
Classification: Uncertain significance for EGFR-related lung cancer. Last evaluated: 2024-08-27. Review status: criteria provided, single submitter. Criteria: Invitae Variant Classification Sherloc (09022015). Collection method: clinical testing. Allele origin: germline.
Comment: This sequence change replaces glycine, which is neutral and non-polar, with aspartic acid, which is acidic and polar, at codon 863 of the EGFR protein (p.Gly863Asp). This variant is not present in population databases (gnomAD no frequency). This variant has not been reported in the literature in individuals affected with EGFR-related conditions. ClinVar contains an entry for this variant (Variation ID: 1063910). Invitae Evidence Modeling of protein sequence and biophysical properties (such as structural, functional, and spatial information, amino acid conservation, physicochemical variation, residue mobility, and thermodynamic stability) indicates that this missense variant is not expected to disrupt EGFR protein function with a negative predictive value of 80%. In summary, the available evidence is currently insufficient to determine the role of this variant in disease. Therefore, it has been classified as a Variant of Uncertain Significance.

NM_005228.5(EGFR):c.2588G>A (p.Gly863Asp)

Gene: EGFR (epidermal growth factor receptor; plus strand). Cytogenetic location: 7p11.2.
Variant type: single nucleotide variant.
Coding change: c.2588G>A on transcript NM_005228.5 (MANE Select); coding-DNA position 2588, G replaced by A.
Protein change: p.Gly863Asp; replaces glycine 863 with aspartic acid.
Molecular consequence: missense variant.
Genome position (GRCh38, 1-based): chr7:55,191,837, G>A. VCF-style: chr7-55191837-G-A. GRCh37 (hg19) VCF-style: chr7-55259530-G-A.
Other names: c.2453G>A, p.Gly818Asp (NM_001346897.2, NM_001346899.2); c.2588G>A, p.Gly863Asp (NM_001346898.2); c.2429G>A, p.Gly810Asp (NM_001346900.2); c.1787G>A, p.Gly596Asp (NM_001346941.2); c.2588G>A (NM_005228.3); short protein forms G596D, G810D, G818D, G863D.
Identifiers: ClinVar variation 1063910 (VCV001063910.9), dbSNP rs909797662, ClinGen allele CA158934272.